The following is an entry in ClinVar:

ClinVar aggregate classification (germline): Likely pathogenic (1 of 4 stars; one submission).

Conditions:
Inosine triphosphatase deficiency. Also called: INOSINE TRIPHOSPHATE PYROPHOSPHOHYDROLASE DEFICIENCY. Identifiers: MedGen C0342800, MONDO:0013461, OMIM 613850.

Submission:

Labcorp Genetics (formerly Invitae), Labcorp
Classification: Likely pathogenic for Inosine triphosphatase deficiency. Last evaluated: 2021-05-11. Review status: criteria provided, single submitter. Criteria: Invitae Variant Classification Sherloc (09022015). Collection method: clinical testing. Allele origin: germline.
Comment: In summary, the currently available evidence indicates that the variant is pathogenic, but additional data are needed to prove that conclusively. Therefore, this variant has been classified as Likely Pathogenic. Algorithms developed to predict the effect of sequence changes on RNA splicing suggest that this variant may disrupt the consensus splice site, but this prediction has not been confirmed by published transcriptional studies. This variant has not been reported in the literature in individuals with ITPA-related conditions. This variant is not present in population databases (ExAC no frequency). This sequence change affects an acceptor splice site in intron 3 of the ITPA gene. It is expected to disrupt RNA splicing. Variants that disrupt the donor or acceptor splice site typically lead to a loss of protein function (PMID: 16199547), and loss-of-function variants in ITPA are known to be pathogenic (PMID: 26224535).

Literature cited by the submitters: PubMed 16199547; PubMed 26224535.

NM_033453.4(ITPA):c.190-2A>T

Gene: ITPA (inosine triphosphatase; plus strand). Cytogenetic location: 20p13.
Variant type: single nucleotide variant.
Coding change: c.190-2A>T on transcript NM_033453.4 (MANE Select); the canonical splice acceptor site of the intron before coding-DNA position 190, A replaced by T.
Molecular consequence: splice acceptor variant.
Genome position (GRCh38, 1-based): chr20:3,213,983, A>T. VCF-style: chr20-3213983-A-T. GRCh37 (hg19) VCF-style: chr20-3194629-A-T.
Other names: c.-148-2A>T (NM_001324237.2, NM_001324238.2, NM_001324236.2 and 1 more transcripts); c.190-2A>T (NM_001324240.2); c.67-2A>T (NM_001267623.2); c.139-2A>T (NM_181493.4).
Identifiers: ClinVar variation 1490678 (VCV001490678.8), dbSNP rs2122328391, ClinGen allele CA408077456.